The following is an entry in ClinVar:

NM_015063.3(SLC8A2):c.1464C>G (p.Gly488=)

Gene: SLC8A2 (solute carrier family 8 member A2; minus strand). Cytogenetic location: 19q13.32.
Variant type: single nucleotide variant.
Coding change: c.1464C>G on transcript NM_015063.3 (MANE Select); coding-DNA position 1464, C replaced by G.
Protein change: p.Gly488=; no amino-acid change (glycine 488 retained).
Molecular consequence: synonymous variant.
Genome position (GRCh38, 1-based): chr19:47,448,108, G>C on the plus strand (C>G on the coding strand, the complement: SLC8A2 is on the minus strand). VCF-style: chr19-47448108-G-C. GRCh37 (hg19) VCF-style: chr19-47951365-G-C.
Identifiers: ClinVar variation 2650151 (VCV002650151.24), dbSNP rs746589645, ClinGen allele CA9539898.

ClinVar aggregate classification (germline): Likely benign (1 of 4 stars; one submission).

Allele frequency attached by ClinVar (database versions not stated): gnomAD 0.00002; ExAC 0.00003.

Submission:

CeGaT Center for Human Genetics Tuebingen
Classification: Likely benign. Last evaluated: 2022-11-01. Review status: criteria provided, single submitter. Criteria: CeGaT Center For Human Genetics Tuebingen Variant Classification Criteria Version 2. Collection method: clinical testing. Allele origin: germline. Affected: yes. Observed: 1 variant allele.
Comment: SLC8A2: BP4, BP7